The following is an entry in ClinVar:

NM_017763.6(RNF43):c.2075G>C (p.Trp692Ser)

Gene: RNF43 (ring finger protein 43; minus strand). Cytogenetic location: 17q22.
Variant type: single nucleotide variant.
Coding change: c.2075G>C on transcript NM_017763.6 (MANE Select); coding-DNA position 2075, G replaced by C.
Protein change: p.Trp692Ser; replaces tryptophan 692 with serine.
Molecular consequence: missense variant.
Genome position (GRCh38, 1-based): chr17:58,357,701, C>G on the plus strand (G>C on the coding strand, the complement: RNF43 is on the minus strand). VCF-style: chr17-58357701-C-G. GRCh37 (hg19) VCF-style: chr17-56435062-C-G.
Other names: c.2075G>C, p.Trp692Ser (NM_001305544.3, NM_001438820.1, NM_001438821.1 and 1 more transcripts); c.1694G>C, p.Trp565Ser (NM_001305545.2, NM_001437987.1); short protein forms W565S, W692S.
Identifiers: ClinVar variation 4155796 (VCV004155796.1).
Genomic context (GRCh38, chr17:58,357,701, plus strand): 5'-GGTAGCAGCCTCTTGTCCAGGCCTGGAGGTCCACAGATCAAGGGGTGTGCCTCTGGGGAC[C>G]AAGGATATGCCACACTGGGGGTGTAATGGGGAAAAATCTGGCAAGCTGGGTGCACAGTTG-3'
Protein context (NP_060233.3, residues 682-702): PHYTPSVAYP[Trp692Ser]SPEAHPLICG

ClinVar aggregate classification (germline): Uncertain significance (1 of 4 stars; one submission).

Submission:

Ambry Genetics
Classification: Uncertain significance. Last evaluated: 2025-08-25. Review status: criteria provided, single submitter. Criteria: Ambry Variant Classification Scheme 2023. Collection method: clinical testing. Allele origin: germline.
Comment: The p.W692S variant (also known as c.2075G>C), located in coding exon 8 of the RNF43 gene, results from a G to C substitution at nucleotide position 2075. The tryptophan at codon 692 is replaced by serine, an amino acid with highly dissimilar properties. This amino acid position is conserved. In addition, the in silico prediction for this alteration is inconclusive. Based on the available evidence, the clinical significance of this variant remains unclear.